The following is an entry in ClinVar:

NM_000492.4(CFTR):c.3468_3468+6delinsATAAAAAGCTTATAAAAAG

Genes: CFTR (CF transmembrane conductance regulator; plus strand), CFTR-AS2 (CFTR antisense RNA 2; minus strand). Cytogenetic location: 7q31.2.
Variant type: Indel.
Coding change: c.3468_3468+6delinsATAAAAAGCTTATAAAAAG on transcript NM_000492.4 (MANE Select); coding-DNA position 3468 through 6 bases into the intron after coding-DNA position 3468, GGTAAGT replaced by ATAAAAAGCTTATAAAAAG.
Molecular consequence: splice donor variant.
Genome position (GRCh38, 1-based): chr7:117,614,713-117,614,719, GGTAAGT replaced by ATAAAAAGCTTATAAAAAG. VCF-style: chr7-117614713-GGTAAGT-ATAAAAAGCTTATAAAAAG. GRCh37 (hg19) VCF-style: chr7-117254767-GGTAAGT-ATAAAAAGCTTATAAAAAG.
Identifiers: ClinVar variation 1704381 (VCV001704381.1), dbSNP rs2485134077, ClinGen allele CA2580076400.

ClinVar aggregate classification (germline): Pathogenic (1 of 4 stars; one submission).

Conditions:
Cystic fibrosis (CF). Also called: MUCOVISCIDOSIS. Identifiers: Orphanet 586, MedGen C0010674, MONDO:0009061, OMIM 219700. Disease mechanism: loss of function.

Submission:

Johns Hopkins Genomics, Johns Hopkins University
Classification: Pathogenic for Cystic fibrosis. Last evaluated: 2022-01-21. Review status: criteria provided, single submitter. Criteria: ACMG Guidelines, 2015. Collection method: clinical testing. Allele origin: germline.
Comment: This CFTR variant is absent from a large population dataset and has not been reported in ClinVar nor the literature, to our knowledge. This variant affects the canonical exon 21 (legacy exon 18) splice donor site and is predicted to affect normal exon 21 splicing. We consider this variant to be pathogenic.